The following is an entry in ClinVar:

ClinVar aggregate classification (germline): Uncertain significance (1 of 4 stars; one submission).

Submission:

Labcorp Genetics (formerly Invitae), Labcorp
Classification: Uncertain significance. Last evaluated: 2023-03-03. Review status: criteria provided, single submitter. Criteria: Invitae Variant Classification Sherloc (09022015). Collection method: clinical testing. Allele origin: germline.
Comment: This variant has not been reported in the literature in individuals affected with ARL3-related conditions. In summary, the available evidence is currently insufficient to determine the role of this variant in disease. Therefore, it has been classified as a Variant of Uncertain Significance. Experimental studies and prediction algorithms are not available or were not evaluated, and the functional significance of this variant is currently unknown. This variant is a gross deletion of the genomic region encompassing exon(s) 4-5 of the ARL3 gene. This variant would be expected to be in-frame, preserving the integrity of the reading frame.

NC_000010.10:g.(?_104445553)_(104449720_?)del

Gene: ARL3 (ARF like GTPase 3; minus strand). Cytogenetic location: 10q24.32.
Variant type: Deletion.
Identifiers: ClinVar variation 1411129 (VCV001411129.7).